The following continues an entry in ClinVar:

NM_000055.2(BCHE):c.1253G>T (p.Gly418Val)

Gene: BCHE. ClinVar aggregate classification (germline): Conflicting classifications of pathogenicity. Likely pathogenic (10); Uncertain significance (1).

Submissions 8 to 12 of 12:

Rady Children's Institute for Genomic Medicine, Rady Children's Hospital San Diego
Classification: Likely pathogenic for Butyrylcholinesterase deficiency. Last evaluated: 2024-09-17. Review status: criteria provided, single submitter. Criteria: ACMG Guidelines, 2015. Collection method: clinical testing. Allele origin: germline. Affected: yes.
Comment: The c.1253G>T (p.Gly418Val) variant affects a weakly conserved amino acid and is predicted by multiple in silico tools to have a benign effect on protein function. This variant has been previously reported as a compound heterozygous and homozygous change in individuals with butyrylcholinesterase deficiency (PMID: 1415224, 12724618, 12881446, 27109752, 7618741). Functional studies indicate this variant may lead to reduced butyrylcholinesterase enzyme activity (PMID: 8314794, 12724618). The c.1253G>T (p.Gly418Val) variant is present in the latest gnomAD population database at an allele frequency of 0.4 % (6509/1613898), including 18 homozygous individuals. Based on the available evidence, c.1253G>T (p.Gly418Val) is classified as Likely Pathogenic.

Myriad Genetics, Inc.
Classification: Likely pathogenic for Deficiency of butyrylcholinesterase. Last evaluated: 2024-07-22. Review status: criteria provided, single submitter. Criteria: Myriad Autosomal Dominant, Autosomal Recessive and X-Linked Classification Criteria (2023). Collection method: clinical testing. Allele origin: unknown.
Comment: NM_000055.2(BCHE):c.1253G>T(G418V) is a missense variant classified as likely pathogenic in the context of pseudocholinesterase deficiency. G418V has been observed in cases with relevant disease (PMID: 1415224, 33774263, 12724618, 7618741). Relevant functional assessments of this variant are available in the literature (PMID: 8314794). G418V has been observed in referenced population frequency databases. In summary, NM_000055.2(BCHE):c.1253G>T(G418V) is a missense variant that has been observed more frequently in cases with the relevant disease than in healthy populations. Please note: this variant was assessed in the context of healthy population screening.

Department of Pathology and Laboratory Medicine, Sinai Health System
Classification: Likely pathogenic for butyrylcholinesterase deficiency. Last evaluated: 2023-07-10. Review status: criteria provided, single submitter. Criteria: ACMG Guidelines, 2015. Collection method: research. Allele origin: germline.

Laboratory for Molecular Medicine, Mass General Brigham Personalized Medicine
Classification: Likely pathogenic for Deficiency of butyrylcholinesterase. Last evaluated: 2020-07-03. Review status: criteria provided, single submitter. Criteria: LMM Criteria. Collection method: clinical testing. Allele origin: germline. Inheritance: Autosomal recessive inheritance. Observed: 1 variant allele.
Comment: The p.Gly418Val variant in BCHE (also reported as p.Gly390Val or the Fluoride-2 allele) has been reported in 4 individuals with succinylcholine-induced apnea and at least 7 additional individuals with pseudocholinesterase deficiency, all in the homozygous or compound heterozygous state. It has also been identified in at least 19 heterozygous carriers who often displayed mild pseudocholinesterase deficiency (Noguiera 1992 PMID: 1415224, Yen 2003 PMID 12881446, Lando 2003 PMID: 12724618, Mikami 2008 PMID: 18300943, Parnas 2011 PMID 21228368, Jasiecki 2016 PMID:27109752). This variant has also been reported in ClinVar (Variation ID: 13219) and has also been identified in 0.5% (647/128524) of total chromosomes, including 3 homozygous individuals, by gnomAD. This frequency is consistent with the frequency of pseudocholinesterase deficiency in the general population. Computational prediction tools and conservation analyses suggest that this variant may not impact the protein, though this information is not predictive enough to rule out pathogenicity. In vitro functional studies provide evidence that the p.Gly418Val variant impacts BCHE enzyme activity (Masson 1997 PMID: 9047329). In summary, although additional studies are required to fully establish its clinical significance, the p.Gly418Val variant is likely pathogenic for autosomal recessive pseudocholinesterase deficiency. ACMG/AMP Criteria applied: PM3_Strong, PS3_Moderate, BP4.

OMIM
Classification: Pathogenic for BCHE, FLUORIDE 2. Last evaluated: 2018-04-24. Review status: no assertion criteria provided. Collection method: literature only. Allele origin: germline. Not counted in ClinVar's aggregate classification.

Literature cited by the submitters: PubMed 1415224 (cited by 7 submitters); PubMed 12724618 (cited by 6 submitters); PubMed 12881446 (cited by 4 submitters); PubMed 27109752 (cited by 4 submitters); PubMed 7618741 (cited by 3 submitters); PubMed 8314794 (cited by 5 submitters); PubMed 9047329 (cited by Dasa); PubMed 18300943 (cited by Victorian Clinical Genetics Services, Murdoch Childrens Research Institute and Laboratory for Molecular Medicine, Mass General Brigham Personalized Medicine); PubMed 31980526 (cited by Women's Health and Genetics/Laboratory Corporation of America, LabCorp); PubMed 33774263 (cited by Myriad Genetics, Inc.); PubMed 21228368 (cited by Laboratory for Molecular Medicine, Mass General Brigham Personalized Medicine); PubMed 2253336 (cited by Laboratory for Molecular Medicine, Mass General Brigham Personalized Medicine and OMIM); PubMed 2013061 (cited by Laboratory for Molecular Medicine, Mass General Brigham Personalized Medicine and OMIM).